The following is an entry in ClinVar:

NM_003743.5(NCOA1):c.2937G>A (p.Thr979=)

Gene: NCOA1 (nuclear receptor coactivator 1; plus strand). Cytogenetic location: 2p23.3.
Variant type: single nucleotide variant.
Coding change: c.2937G>A on transcript NM_003743.5 (MANE Select); coding-DNA position 2937, G replaced by A.
Protein change: p.Thr979=; no amino-acid change (threonine 979 retained).
Molecular consequence: synonymous variant.
Genome position (GRCh38, 1-based): chr2:24,729,551, G>A. VCF-style: chr2-24729551-G-A. GRCh37 (hg19) VCF-style: chr2-24952420-G-A.
Other names: c.2937G>A, p.Thr979= (NM_001362950.1, NM_001362952.1, NM_001362954.1 and 3 more transcripts).
Identifiers: ClinVar variation 4990887 (VCV004990887.1).

ClinVar aggregate classification (germline): Likely benign (1 of 4 stars; one submission).

Conditions:
NCOA1-related disorder. Also called: NCOA1-related condition.

gnomAD v4.1: 22 of 1,613,978 alleles (0.0014%); highest among the groups gnomAD compares: Middle Eastern, 0.016%; no homozygotes.

Submission:

PreventionGenetics, part of Exact Sciences
Classification: Likely benign for NCOA1-related condition. Last evaluated: 2026-05-17. Review status: criteria provided, single submitter. Criteria: ACMG Guidelines, 2015. Collection method: clinical testing. Allele origin: germline.
Comment: This variant is classified as likely benign based on ACMG/AMP sequence variant interpretation guidelines (Richards et al. 2015 PMID: 25741868, with internal and published modifications).